The following is an entry in ClinVar:

NM_182641.4(BPTF):c.3793G>A (p.Asp1265Asn)

Gene: BPTF (bromodomain PHD finger transcription factor; plus strand). Cytogenetic location: 17q24.2.
Variant type: single nucleotide variant.
Coding change: c.3793G>A on transcript NM_182641.4 (MANE Select); coding-DNA position 3793, G replaced by A.
Protein change: p.Asp1265Asn; replaces aspartic acid 1265 with asparagine.
Molecular consequence: missense variant.
Genome position (GRCh38, 1-based): chr17:67,911,677, G>A. VCF-style: chr17-67911677-G-A. GRCh37 (hg19) VCF-style: chr17-65907793-G-A.
Other names: c.4171G>A, p.Asp1391Asn (NM_004459.7); short protein forms D1265N, D1391N.
Identifiers: ClinVar variation 3897483 (VCV003897483.1).
Genomic context (GRCh38, chr17:67,911,677, plus strand): 5'-ATTGTTTCTTCTTCCAAGAGTGCTTTACATTCATCAGTGCCTAAAAGTACCAATGACAGA[G>A]ATGCCACACCTCTGTCAAGAGCAATGGACTTTGAAGGAAAACTGGGATGTGACTCTGAAT-3'
Protein context (NP_872579.2, residues 1255-1275): SSVPKSTNDR[Asp1265Asn]ATPLSRAMDF

ClinVar aggregate classification (germline): Uncertain significance (1 of 4 stars; one submission).

Submission:

GeneDx
Classification: Uncertain significance. Last evaluated: 2024-10-31. Review status: criteria provided, single submitter. Criteria: GeneDx Variant Classification Process June 2021. Collection method: clinical testing. Allele origin: germline. Affected: yes.
Comment: Not observed at significant frequency in large population cohorts (gnomAD); In silico analysis indicates that this missense variant does not alter protein structure/function; Has not been previously published as pathogenic or benign to our knowledge